The following is an entry in ClinVar:

ClinVar aggregate classification (germline): Uncertain significance. Review status: criteria provided, single submitter (1 of 4 stars). 2 submissions from 2 submitters: Uncertain significance (1). 1 of the submissions does not count toward it. Last evaluated 2024-09-27.

Conditions:
Cystic fibrosis (CF). Also called: MUCOVISCIDOSIS. Identifiers: Orphanet 586, MedGen C0010674, MONDO:0009061, OMIM 219700. Disease mechanism: loss of function.
CFTR-related disorder (CFTR-RD). Also called: CFTR-related disorders; CFTR-related condition. Identifiers: MedGen C5924204, MONDO:7770004.

Submissions (2):

Ambry Genetics
Classification: Uncertain significance for Cystic fibrosis. Last evaluated: 2024-09-27. Review status: criteria provided, single submitter. Criteria: Ambry Variant Classification Scheme 2023. Collection method: clinical testing. Allele origin: germline.
Comment: The p.A534T variant (also known as c.1600G>A), located in coding exon 12 of the CFTR gene, results from a G to A substitution at nucleotide position 1600. The alanine at codon 534 is replaced by threonine, an amino acid with similar properties. This amino acid position is conserved. In addition, the in silico prediction for this alteration is inconclusive. Based on the available evidence, the clinical significance of this variant remains unclear.

Natera, Inc.
Classification: Uncertain significance for CFTR-related disorders. Last evaluated: 2025-04-09. Review status: no assertion criteria provided. Collection method: clinical testing. Allele origin: germline. Not counted in ClinVar's aggregate classification.

NM_000492.4(CFTR):c.1600G>A (p.Ala534Thr)

Genes: CFTR (CF transmembrane conductance regulator; plus strand), LOC111674475 (CFTR intron 11 enhancer; plus strand). Cytogenetic location: 7q31.2.
Variant type: single nucleotide variant.
Coding change: c.1600G>A on transcript NM_000492.4 (MANE Select); coding-DNA position 1600, G replaced by A.
Protein change: p.Ala534Thr; replaces alanine 534 with threonine.
Molecular consequence: missense variant.
Genome position (GRCh38, 1-based): chr7:117,587,754, G>A. VCF-style: chr7-117587754-G-A. GRCh37 (hg19) VCF-style: chr7-117227808-G-A.
Other names: short protein forms A534T.
Identifiers: ClinVar variation 3491672 (VCV003491672.2).